The following is an entry in ClinVar:

NM_001034850.3(RETREG1):c.120GGA[2] (p.Glu43del)

Genes: RETREG1 (reticulophagy regulator 1; minus strand), RETREG1-AS1 (RETREG1 antisense RNA 1; plus strand), LOC129993734 (ATAC-STARR-seq lymphoblastoid silent region 15947; plus strand). Cytogenetic location: 5p15.1.
Variant type: Microsatellite.
Coding change: c.120GGA[2] on transcript NM_001034850.3 (MANE Select); two copies in a row of the 3-base unit GGA starting at c.120; the reference has three copies in a row; one copy, 3 bases deleted.
Protein change: p.Glu43del; deletes glutamic acid 43.
Molecular consequence: inframe deletion.
Genome position (GRCh38, 1-based): chr5:16,616,844-16,616,846, TCC deleted on the plus strand (GGA on the coding strand, the reverse complement: RETREG1 is on the minus strand); deleting any 3 consecutive bases within chr5:16,616,844-16,616,853 gives the same sequence; the position shown is the placement nearest the transcript's 3' end. VCF-style (leftmost placement, unchanged base first): chr5-16616843-TTCC-T. GRCh37 (hg19) VCF-style: chr5-16616952-TTCC-T.
Other names: short protein forms E43del.
Identifiers: ClinVar variation 1503758 (VCV001503758.8), dbSNP rs1168070145, ClinGen allele CA558342137.

ClinVar aggregate classification (germline): Uncertain significance (1 of 4 stars; one submission).

Submission:

Labcorp Genetics (formerly Invitae), Labcorp
Classification: Uncertain significance. Last evaluated: 2021-05-03. Review status: criteria provided, single submitter. Criteria: Invitae Variant Classification Sherloc (09022015). Collection method: clinical testing. Allele origin: germline.
Comment: In summary, the available evidence is currently insufficient to determine the role of this variant in disease. Therefore, it has been classified as a Variant of Uncertain Significance. Experimental studies and prediction algorithms are not available or were not evaluated, and the functional significance of this variant is currently unknown. This variant has not been reported in the literature in individuals with RETREG1-related conditions. The frequency data for this variant in the population databases is considered unreliable, as metrics indicate insufficient coverage at this position in the ExAC database. This variant, c.126_128del, results in the deletion of 1 amino acid(s) of the RETREG1 protein (p.Glu43del), but otherwise preserves the integrity of the reading frame.